The following is an entry in ClinVar:

NM_032830.3(UTP4):c.436+7G>A

Gene: UTP4 (UTP4 small subunit processome component). Cytogenetic location: 16q22.1.
Variant type: single nucleotide variant.
Coding change: c.436+7G>A on transcript NM_032830.3 (MANE Select); 7 bases into the intron after coding-DNA position 436, G replaced by A.
Molecular consequence: intron variant.
Genome position (GRCh38, 1-based): chr16:69,137,892, G>A. VCF-style: chr16-69137892-G-A. GRCh37 (hg19) VCF-style: chr16-69171795-G-A.
Other names: c.187+7G>A (NM_001318391.2).
Identifiers: ClinVar variation 3352527 (VCV003352527.1).
Genomic context (GRCh38, chr16:69,137,892, plus strand): 5'-TTCAAATTACCCCAGACAAAATCCAGTTTGAAAGAAATTTTGATCGGCAGAAAAGTAAGC[G>A]TCATTTTTCATGGGGCGGTAAATAGCCTTAACAAGAAATTAAGTTTCTGTGCCACTGGGG-3'

ClinVar aggregate classification (germline): Likely benign (0 of 4 stars; one submission).

Conditions:
UTP4-related disorder. Also called: UTP4-related condition.

gnomAD v4.1: 69 of 1,579,678 alleles (0.0044%); highest among the groups gnomAD compares: South Asian, 0.02%; no homozygotes.

Submission:

PreventionGenetics, part of Exact Sciences
Classification: Likely benign for UTP4-related condition. Last evaluated: 2024-05-03. Review status: no assertion criteria provided. Collection method: clinical testing. Allele origin: germline.
Comment: This variant is classified as likely benign based on ACMG/AMP sequence variant interpretation guidelines (Richards et al. 2015 PMID: 25741868, with internal and published modifications).